The following is an entry in ClinVar:

ClinVar aggregate classification (germline): Uncertain significance (1 of 4 stars; one submission).

Allele frequency attached by ClinVar (database versions not stated): TOPMed below 0.00001.

Submission:

Labcorp Genetics (formerly Invitae), Labcorp
Classification: Uncertain significance. Last evaluated: 2021-08-19. Review status: criteria provided, single submitter. Criteria: Invitae Variant Classification Sherloc (09022015). Collection method: clinical testing. Allele origin: germline.
Comment: In summary, the available evidence is currently insufficient to determine the role of this variant in disease. Therefore, it has been classified as a Variant of Uncertain Significance. Algorithms developed to predict the effect of missense changes on protein structure and function output the following: SIFT: "Tolerated"; PolyPhen-2: "Benign"; Align-GVGD: "Class C0". The leucine amino acid residue is found in multiple mammalian species, suggesting that this missense change does not adversely affect protein function. These predictions have not been confirmed by published functional studies and their clinical significance is uncertain. This variant has not been reported in the literature in individuals with RNF31-related conditions. This variant is not present in population databases (ExAC no frequency). This sequence change replaces proline with leucine at codon 259 of the RNF31 protein (p.Pro259Leu). The proline residue is weakly conserved and there is a moderate physicochemical difference between proline and leucine.

NM_017999.5(RNF31):c.776C>T (p.Pro259Leu)

Gene: RNF31 (ring finger protein 31; plus strand). Cytogenetic location: 14q12.
Variant type: single nucleotide variant.
Coding change: c.776C>T on transcript NM_017999.5 (MANE Select); coding-DNA position 776, C replaced by T.
Protein change: p.Pro259Leu; replaces proline 259 with leucine.
Molecular consequence: missense variant.
Genome position (GRCh38, 1-based): chr14:24,149,550, C>T. VCF-style: chr14-24149550-C-T. GRCh37 (hg19) VCF-style: chr14-24618759-C-T.
Other names: c.323C>T, p.Pro108Leu (NM_001310332.2); short protein forms P259L, P108L.
Identifiers: ClinVar variation 1368940 (VCV001368940.8), dbSNP rs2038231310, ClinGen allele CA389291041.